The following is an entry in ClinVar:

NM_000550.3(TYRP1):c.1145T>C (p.Leu382Pro)

Genes: LURAP1L-AS1 (LURAP1L antisense RNA 1; minus strand), TYRP1 (tyrosinase related protein 1; plus strand). Cytogenetic location: 9p23.
Variant type: single nucleotide variant.
Coding change: c.1145T>C on transcript NM_000550.3 (MANE Select); coding-DNA position 1145, T replaced by C.
Protein change: p.Leu382Pro; replaces leucine 382 with proline.
Molecular consequence: missense variant.
Genome position (GRCh38, 1-based): chr9:12,704,589, T>C. VCF-style: chr9-12704589-T-C. GRCh37 (hg19) VCF-style: chr9-12704589-T-C.
Other names: short protein forms L382P.
Identifiers: ClinVar variation 212527 (VCV000212527.8), dbSNP rs776174514, ClinGen allele CA206087.

ClinVar aggregate classification (germline): Conflicting classifications of pathogenicity. Review status: criteria provided, conflicting classifications (1 of 4 stars). 2 submissions from 2 submitters: Likely pathogenic (1); Uncertain significance (1). Last evaluated 2025-04-14.

Conditions:
Oculocutaneous albinism type 3 (OCA3). Also called: ALBINISM III; RUFOUS OCULOCUTANEOUS ALBINISM; Albinism, oculocutaneous, type III; XANTHISM; Rufous OCA; Rufous albinism. Identifiers: Orphanet 79433, MedGen C0342683, MONDO:0008747, OMIM 203290.

Allele frequency attached by ClinVar (database versions not stated): gnomAD exomes below 0.00001; ExAC 0.00001.

Submissions (2):

Women's Health and Genetics/Laboratory Corporation of America, LabCorp
Classification: Uncertain significance. Last evaluated: 2025-04-14. Review status: criteria provided, single submitter. Criteria: LabCorp Variant Classification Summary - May 2015. Collection method: clinical testing. Allele origin: germline.
Comment: Variant summary: TYRP1 c.1145T>C (p.Leu382Pro) results in a non-conservative amino acid change located in the Common central domain of tyrosinase (IPR002227) of the encoded protein sequence. Five of five in-silico tools predict a damaging effect of the variant on protein function. The variant allele was found at a frequency of 4e-06 in 250870 control chromosomes. The available data on variant occurrences in the general population are insufficient to allow any conclusion about variant significance. To our knowledge, no occurrence of c.1145T>C in individuals affected with Oculocutaneous albinism type 3 and no experimental evidence demonstrating its impact on protein function have been reported. ClinVar contains an entry for this variant (Variation ID: 212527). Based on the evidence outlined above, the variant was classified as uncertain significance.

Genetic Services Laboratory, University of Chicago
Classification: Likely pathogenic for Albinism, oculocutaneous, type III. Last evaluated: 2015-07-28. Review status: criteria provided, single submitter. Criteria: ACMG Guidelines, 2015. Collection method: clinical testing. Allele origin: germline. Affected: yes.